The following is an entry in ClinVar:

ClinVar aggregate classification (germline): Uncertain significance (1 of 4 stars; one submission).

Conditions:
Inborn genetic diseases. Identifiers: MedGen C0950123, MeSH D030342.

Allele frequency attached by ClinVar (database versions not stated): gnomAD exomes below 0.00001; TOPMed below 0.00001.
gnomAD v4.1: 1 of 1,614,054 alleles (0.000062%); highest among the groups gnomAD compares: South Asian, 0.0011%; no homozygotes.

Submission:

Ambry Genetics
Classification: Uncertain significance for Inborn genetic diseases. Last evaluated: 2017-08-18. Review status: criteria provided, single submitter. Criteria: Ambry Variant Classification Scheme 2023. Collection method: clinical testing. Allele origin: germline.
Comment: The p.S1633F variant (also known as c.4898C>T), located in coding exon 1 of the RAI1 gene, results from a C to T substitution at nucleotide position 4898. The serine at codon 1633 is replaced by phenylalanine, an amino acid with highly dissimilar properties. This amino acid position is well conserved in available vertebrate species. In addition, this alteration is predicted to be tolerated by in silico analysis. Since supporting evidence is limited at this time, the clinical significance of this alteration remains unclear.

NM_030665.4(RAI1):c.4898C>T (p.Ser1633Phe)

Gene: RAI1 (retinoic acid induced 1; plus strand). Cytogenetic location: 17p11.2.
Variant type: single nucleotide variant.
Coding change: c.4898C>T on transcript NM_030665.4 (MANE Select); coding-DNA position 4898, C replaced by T.
Protein change: p.Ser1633Phe; replaces serine 1633 with phenylalanine.
Molecular consequence: missense variant.
Genome position (GRCh38, 1-based): chr17:17,797,846, C>T. VCF-style: chr17-17797846-C-T. GRCh37 (hg19) VCF-style: chr17-17701160-C-T.
Other names: short protein forms S1633F.
Identifiers: ClinVar variation 589084 (VCV000589084.5), dbSNP rs1294054139, ClinGen allele CA398557921.
Genomic context (GRCh38, chr17:17,797,846, plus strand): 5'-TTGTCAACTCCCCTGGAGATGCGCCCAAGCCCCACAGGAAGCCTTCCTCCTCTGCCTCCT[C>T]TTCCTCATCCTCGTCCTCGTTCTCCTTGGATGCAGCCGGGGCCTCCCTGGCCACACTCCC-3'
Protein context (NP_109590.3, residues 1623-1643): PHRKPSSSAS[Ser1633Phe]SSSSSSFSLD